The following is an entry in ClinVar:

NM_014509.5(SERHL2):c.827A>G (p.Gln276Arg)

Gene: SERHL2 (serine hydrolase like 2; plus strand). Cytogenetic location: 22q13.2.
Variant type: single nucleotide variant.
Coding change: c.827A>G on transcript NM_014509.5 (MANE Select); coding-DNA position 827, A replaced by G.
Protein change: p.Gln276Arg; replaces glutamine 276 with arginine.
Molecular consequence: missense variant. On other transcripts: non-coding transcript variant (3).
Genome position (GRCh38, 1-based): chr22:42,573,937, A>G. VCF-style: chr22-42573937-A-G. GRCh37 (hg19) VCF-style: chr22-42969943-A-G.
Other names: c.635A>G, p.Gln212Arg (NM_001284334.2); short protein forms Q212R, Q276R.
Identifiers: ClinVar variation 3770584 (VCV003770584.13).

ClinVar aggregate classification (germline): Likely benign (1 of 4 stars; one submission).

gnomAD v4.1: 5,492 of 1,383,380 alleles (0.4%); highest among the groups gnomAD compares: Non-Finnish European, 0.41%; 89 homozygotes.

Submission:

CeGaT Center for Human Genetics Tuebingen
Classification: Likely benign. Last evaluated: 2025-02-01. Review status: criteria provided, single submitter. Criteria: CeGaT Center For Human Genetics Tuebingen Variant Classification Criteria Version 2. Collection method: clinical testing. Allele origin: germline. Affected: yes. Observed: 1 variant allele.
Comment: RRP7BP: BS2; SERHL2: BP4, BS2